The following is an entry in ClinVar:

ClinVar aggregate classification (germline): Uncertain significance (1 of 4 stars; one submission).

Allele frequency attached by ClinVar (database versions not stated): gnomAD exomes below 0.00001 and 0.00001.
gnomAD v4.1: 1 of 987,172 alleles (0.0001%); highest among the groups gnomAD compares: Admixed American, 0.0022%; no homozygotes.

Submission:

GeneDx
Classification: Uncertain significance. Last evaluated: 2019-04-17. Review status: criteria provided, single submitter. Criteria: GeneDx Variant Classification Process June 2021. Collection method: clinical testing. Allele origin: germline. Affected: yes.
Comment: Has not been previously published as pathogenic or benign to our knowledge

NM_001205019.2(GK):c.248C>T (p.Ser83Phe)

Gene: GK (glycerol kinase; plus strand). Cytogenetic location: Xp21.2.
Variant type: single nucleotide variant.
Coding change: c.248C>T on transcript NM_001205019.2 (MANE Select); coding-DNA position 248, C replaced by T.
Protein change: p.Ser83Phe; replaces serine 83 with phenylalanine.
Molecular consequence: missense variant.
Genome position (GRCh38, 1-based): chrX:30,668,107, C>T. VCF-style: chrX-30668107-C-T. GRCh37 (hg19) VCF-style: chrX-30686224-C-T.
Other names: c.248C>T, p.Ser83Phe (NM_000167.6, NM_001128127.3, NM_203391.4); short protein forms S83F.
Identifiers: ClinVar variation 1303393 (VCV001303393.2), dbSNP rs1246343210, ClinGen allele CA412643159.